The following is an entry in ClinVar:

ClinVar aggregate classification (germline): Uncertain significance (1 of 4 stars; one submission).

Conditions:
Cardiovascular phenotype. Identifiers: MedGen CN230736.

Submission:

Ambry Genetics
Classification: Uncertain significance for Cardiovascular phenotype. Last evaluated: 2024-03-30. Review status: criteria provided, single submitter. Criteria: Ambry Variant Classification Scheme 2023. Collection method: clinical testing. Allele origin: germline.
Comment: The p.G1829D variant (also known as c.5486G>A), located in coding exon 14 of the ALPK3 gene, results from a G to A substitution at nucleotide position 5486. The glycine at codon 1829 is replaced by aspartic acid, an amino acid with similar properties. This amino acid position is conserved. In addition, this alteration is predicted to be tolerated by in silico analysis. Based on the available evidence, the clinical significance of this alteration remains unclear.

NM_020778.5(ALPK3):c.4880G>A (p.Gly1627Asp)

Gene: ALPK3 (alpha kinase 3; plus strand). Cytogenetic location: 15q25.3.
Variant type: single nucleotide variant.
Coding change: c.4880G>A on transcript NM_020778.5 (MANE Select); coding-DNA position 4880, G replaced by A.
Protein change: p.Gly1627Asp; replaces glycine 1627 with aspartic acid.
Molecular consequence: missense variant.
Genome position (GRCh38, 1-based): chr15:84,868,218, G>A. VCF-style: chr15-84868218-G-A. GRCh37 (hg19) VCF-style: chr15-85411449-G-A.
Other names: short protein forms G1627D.
Identifiers: ClinVar variation 3291391 (VCV003291391.1).